The following is an entry in ClinVar:

NM_000112.4(SLC26A2):c.1064_1065insAAAAA (p.Asn355fs)

Gene: SLC26A2 (solute carrier family 26 member 2; plus strand). Cytogenetic location: 5q32.
Variant type: Insertion.
Coding change: c.1064_1065insAAAAA on transcript NM_000112.4 (MANE Select); coding-DNA positions 1064 to 1065, AAAAA inserted.
Protein change: p.Asn355fs; shifts the reading frame from asparagine 355.
Molecular consequence: frameshift variant.
Genome position: GRCh38 VCF-style: chr5-149980653-G-GAAAAA. GRCh37 (hg19) VCF-style: chr5-149360216-G-GAAAAA.
Other names: short protein forms N355fs.
Identifiers: ClinVar variation 1456961 (VCV001456961.8), dbSNP rs2113698201, ClinGen allele CA2573139275.

ClinVar aggregate classification (germline): Pathogenic (1 of 4 stars; one submission).

Conditions:
Diastrophic dysplasia (DTD). Also called: Diastrophic dwarfism. Identifiers: Orphanet 628, MedGen C0220726, MONDO:0009107, OMIM 222600.
Atelosteogenesis type II (AO2). Also called: NEONATAL OSSEOUS DYSPLASIA I; Neonatal osseous dysplasia 1; SLC26A2-Related Atelosteogenesis. Identifiers: Orphanet 56304, MedGen C1850554, MONDO:0009727, OMIM 256050.
Multiple epiphyseal dysplasia type 4 (EDM4). Also called: Multiple Epiphyseal Dysplasia, Recessive; MULTIPLE EPIPHYSEAL DYSPLASIA WITH BILAYERED PATELLAE; MULTIPLE EPIPHYSEAL DYSPLASIA WITH CLUBFOOT; MULTIPLE EPIPHYSEAL DYSPLASIA, AUTOSOMAL RECESSIVE; SLC26A2-Related Multiple Epiphyseal Dysplasia. Identifiers: Orphanet 93307, MedGen C1847593, MONDO:0009189, OMIM 226900.
Achondrogenesis, type IB (ACG1B). Also called: Achondrogenesis Type 1B. Identifiers: Orphanet 932, Orphanet 93298, MedGen C0265274, MONDO:0010966, OMIM 600972.

Submission:

Labcorp Genetics (formerly Invitae), Labcorp
Classification: Pathogenic for Atelosteogenesis type II; Multiple epiphyseal dysplasia type 4; Achondrogenesis, type IB; Diastrophic dysplasia. Last evaluated: 2021-03-24. Review status: criteria provided, single submitter. Criteria: Invitae Variant Classification Sherloc (09022015). Collection method: clinical testing. Allele origin: germline.
Comment: For these reasons, this variant has been classified as Pathogenic. This variant disrupts the C-terminus of the SLC26A2 protein. Other variant(s) that disrupt this region (p.Glu703Glyfs*9) have been determined to be pathogenic (Invitae). This suggests that variants that disrupt this region of the protein are likely to be causative of disease. This variant has not been reported in the literature in individuals with SLC26A2-related conditions. This variant is not present in population databases (ExAC no frequency). This sequence change creates a premature translational stop signal (p.Asn355Lysfs*26) in the SLC26A2 gene. While this is not anticipated to result in nonsense mediated decay, it is expected to disrupt the last 385 amino acid(s) of the SLC26A2 protein.